The following is an entry in ClinVar:

NM_004415.4(DSP):c.7783A>G (p.Thr2595Ala)

Gene: DSP (desmoplakin; plus strand). Cytogenetic location: 6p24.3.
Variant type: single nucleotide variant.
Coding change: c.7783A>G on transcript NM_004415.4 (MANE Select); coding-DNA position 7783, A replaced by G.
Protein change: p.Thr2595Ala; replaces threonine 2595 with alanine.
Molecular consequence: missense variant.
Genome position (GRCh38, 1-based): chr6:7,585,045, A>G. VCF-style: chr6-7585045-A-G. GRCh37 (hg19) VCF-style: chr6-7585278-A-G.
Other names: c.5986A>G, p.Thr1996Ala (NM_001008844.3); c.6454A>G, p.Thr2152Ala (NM_001319034.2); short protein forms T2595A, T2152A, T1996A.
Identifiers: ClinVar variation 855961 (VCV000855961.17), dbSNP rs1170072296, ClinGen allele CA362693768.

ClinVar aggregate classification (germline): Uncertain significance. Review status: criteria provided, multiple submitters, no conflicts (2 of 4 stars). 5 submissions from 5 submitters: Uncertain significance (5). Last evaluated 2025-12-28.

Conditions:
Arrhythmogenic right ventricular dysplasia 8 (ARVD8). Also called: Arrhythmogenic Right Ventricular Dysplasia/Cardiomyopathy 8; ARRHYTHMOGENIC RIGHT VENTRICULAR DYSPLASIA, FAMILIAL, 8; ARRHYTHMOGENIC RIGHT VENTRICULAR CARDIOMYOPATHY 8. Identifiers: MedGen C1843896, MONDO:0011831, OMIM 607450.
Arrhythmogenic cardiomyopathy with wooly hair and keratoderma. Also called: Arrhythmogenic cardiomyopathy with woolly hair and keratoderma; PALMOPLANTAR KERATODERMA WITH LEFT VENTRICULAR CARDIOMYOPATHY AND WOOLLY HAIR; Dilated cardiomyopathy with woolly hair and keratoderma; Carvajal syndrome. Identifiers: Orphanet 65282, MedGen C1854063, MONDO:0011581, OMIM 605676.
Cardiovascular phenotype. Identifiers: MedGen CN230736.
Lethal acantholytic epidermolysis bullosa (EBLA). Identifiers: Orphanet 158687, MedGen C1864826, MONDO:0012323, OMIM 609638.
Woolly hair-skin fragility syndrome (WHSF). Identifiers: Orphanet 293165, MedGen C1843292, MONDO:0957307, OMIM 620415.
Keratosis palmoplantaris striata 2. Also called: KERATODERMA, PALMOPLANTAR, STRIATE FORM II; STRIATE PALMOPLANTAR KERATODERMA II; Keratosis palmoplantaris striata II. Identifiers: MedGen C1852127, MONDO:0013034, OMIM 612908.
Cardiomyopathy, dilated, with wooly hair, keratoderma, and tooth agenesis. Also called: Cardiomyopathy, dilated, with woolly hair, keratoderma, and tooth agenesis; Erythrokeratodermia-cardiomyopathy syndrome. Identifiers: Orphanet 476096, Orphanet 65282, MedGen C4014393, MONDO:0014355, OMIM 615821.
Cardiomyopathy (CMYO). Also called: Cardiomyopathies. Identifiers: Orphanet 167848, MedGen C0878544, MONDO:0004994, HP:0001638. Inheritance: Various modes of inheritance.

Allele frequency attached by ClinVar (database versions not stated): TOPMed below 0.00001; gnomAD 0.00001.
gnomAD v4.1: 2 of 1,614,066 alleles (0.00012%); highest among the groups gnomAD compares: Non-Finnish European, 0.000085%; no homozygotes.

Submissions (5):

Women's Health and Genetics/Laboratory Corporation of America, LabCorp
Classification: Uncertain significance. Last evaluated: 2025-12-28. Review status: criteria provided, single submitter. Criteria: LabCorp Variant Classification Summary - May 2015. Collection method: clinical testing. Allele origin: germline.
Comment: Variant summary: DSP c.7783A>G (p.Thr2595Ala) results in a non-conservative amino acid change in the encoded protein sequence. Algorithms developed to predict the effect of missense changes on protein structure and function are either unavailable or do not agree on the potential impact of this missense change. The variant was absent in 251458 control chromosomes. The available data on variant occurrences in the general population are insufficient to allow any conclusion about variant significance. c.7783A>G has been observed as a VUS in settings of multigene panel testing among individual(s) affected with Arrhythmogenic cardiomyopathy (ACM) (example, Lippi_2022). These report(s) do not provide unequivocal conclusions about association of the variant with Arrhythmogenic Right Ventricular Dysplasia/Cardiomyopathy and/or DSP-related conditions. At-least one co-occurrence with another pathogenic variant(s) have been reported (Lippi_2022, DSC2 c.268G>T, p.Glu90*), providing supporting evidence for a benign role. To our knowledge, no experimental evidence demonstrating an impact on protein function has been reported. The following publication has been ascertained in the context of this evaluation (PMID: 36008935). ClinVar contains an entry for this variant (Variation ID: 855961). Based on the evidence outlined above, the variant was classified as uncertain significance.

Ambry Genetics
Classification: Uncertain significance for Cardiovascular phenotype. Last evaluated: 2025-02-18. Review status: criteria provided, single submitter. Criteria: Ambry Variant Classification Scheme 2023. Collection method: clinical testing. Allele origin: germline.
Comment: The p.T2595A variant (also known as c.7783A>G), located in coding exon 24 of the DSP gene, results from an A to G substitution at nucleotide position 7783. The threonine at codon 2595 is replaced by alanine, an amino acid with similar properties. This amino acid position is not well conserved in available vertebrate species. In addition, this alteration is predicted to be tolerated by in silico analysis. Based on the available evidence, the clinical significance of this variant remains unclear.

Labcorp Genetics (formerly Invitae), Labcorp
Classification: Uncertain significance for Arrhythmogenic cardiomyopathy with wooly hair and keratoderma; Arrhythmogenic right ventricular dysplasia 8. Last evaluated: 2024-10-18. Review status: criteria provided, single submitter. Criteria: Invitae Variant Classification Sherloc (09022015). Collection method: clinical testing. Allele origin: germline.
Comment: This sequence change replaces threonine, which is neutral and polar, with alanine, which is neutral and non-polar, at codon 2595 of the DSP protein (p.Thr2595Ala). This variant is present in population databases (no rsID available, gnomAD 0.007%). This variant has not been reported in the literature in individuals affected with DSP-related conditions. ClinVar contains an entry for this variant (Variation ID: 855961). An algorithm developed to predict the effect of missense changes on protein structure and function (PolyPhen-2) suggests that this variant is likely to be tolerated. In summary, the available evidence is currently insufficient to determine the role of this variant in disease. Therefore, it has been classified as a Variant of Uncertain Significance.

Color Diagnostics, LLC DBA Color Health
Classification: Uncertain significance for Cardiomyopathy. Last evaluated: 2024-03-07. Review status: criteria provided, single submitter. Criteria: ACMG Guidelines, 2015. Collection method: clinical testing. Allele origin: germline.
Comment: This missense variant replaces threonine with alanine at codon 2595 of the DSP protein. Computational prediction suggests that this variant may not impact protein structure and function (internally defined REVEL score threshold <= 0.5, PMID: 27666373). To our knowledge, functional studies have not been reported for this variant. This variant has not been reported in individuals affected with cardiovascular disorders in the literature. This variant has been identified in 1/31390 chromosomes in the general population by the Genome Aggregation Database (gnomAD). The available evidence is insufficient to determine the role of this variant in disease conclusively. Therefore, this variant is classified as a Variant of Uncertain Significance.

Fulgent Genetics
Classification: Uncertain significance for Arrhythmogenic cardiomyopathy with wooly hair and keratoderma; Arrhythmogenic right ventricular dysplasia 8; Lethal acantholytic epidermolysis bullosa; Keratosis palmoplantaris striata 2; Cardiomyopathy, dilated, with wooly hair, keratoderma, and tooth agenesis. Last evaluated: 2021-10-29. Review status: criteria provided, single submitter. Criteria: ACMG Guidelines, 2015. Collection method: clinical testing. Allele origin: unknown.

Literature cited by the submitters: PubMed 36008935 (cited by Women's Health and Genetics/Laboratory Corporation of America, LabCorp).